The following is an entry in ClinVar:

ClinVar aggregate classification (germline): Uncertain significance. Review status: criteria provided, multiple submitters, no conflicts (2 of 4 stars). 2 submissions from 2 submitters: Uncertain significance (2). Last evaluated 2025-06-01.

Conditions:
Charcot-Marie-Tooth disease type 2R. Also called: CHARCOT-MARIE-TOOTH DISEASE, AXONAL, AUTOSOMAL RECESSIVE, TYPE 2R; CHARCOT-MARIE-TOOTH NEUROPATHY, TYPE 2R; Charcot-Marie-Tooth disease, axonal, type 2R. Identifiers: Orphanet 397968, MedGen C3809655, MONDO:0014208, OMIM 615490.

Allele frequency attached by ClinVar (database versions not stated): TOPMed 0.00001; ExAC 0.00003.

Submissions (2):

CeGaT Center for Human Genetics Tuebingen
Classification: Uncertain significance. Last evaluated: 2025-06-01. Review status: criteria provided, single submitter. Criteria: CeGaT Center For Human Genetics Tuebingen Variant Classification Criteria Version 2. Collection method: clinical testing. Allele origin: germline. Affected: yes. Observed: 1 variant allele.
Comment: TRIM2: PM2

Labcorp Genetics (formerly Invitae), Labcorp
Classification: Uncertain significance for Charcot-Marie-Tooth disease type 2R. Last evaluated: 2024-01-24. Review status: criteria provided, single submitter. Criteria: Invitae Variant Classification Sherloc (09022015). Collection method: clinical testing. Allele origin: germline.
Comment: This sequence change replaces serine, which is neutral and polar, with asparagine, which is neutral and polar, at codon 250 of the TRIM2 protein (p.Ser250Asn). The frequency data for this variant in the population databases is considered unreliable, as metrics indicate poor data quality at this position in the gnomAD database. This variant has not been reported in the literature in individuals affected with TRIM2-related conditions. ClinVar contains an entry for this variant (Variation ID: 845812). Algorithms developed to predict the effect of missense changes on protein structure and function output the following: SIFT: "Not Available"; PolyPhen-2: "Benign"; Align-GVGD: "Not Available". The asparagine amino acid residue is found in multiple mammalian species, which suggests that this missense change does not adversely affect protein function. In summary, the available evidence is currently insufficient to determine the role of this variant in disease. Therefore, it has been classified as a Variant of Uncertain Significance.

NM_015271.5(TRIM2):c.830G>A (p.Ser277Asn)

Gene: TRIM2 (tripartite motif containing 2; plus strand). Cytogenetic location: 4q31.3.
Variant type: single nucleotide variant.
Coding change: c.830G>A on transcript NM_015271.5 (MANE Select); coding-DNA position 830, G replaced by A.
Protein change: p.Ser277Asn; replaces serine 277 with asparagine.
Molecular consequence: missense variant.
Genome position (GRCh38, 1-based): chr4:153,295,356, G>A. VCF-style: chr4-153295356-G-A. GRCh37 (hg19) VCF-style: chr4-154216508-G-A.
Other names: c.749G>A, p.Ser250Asn (NM_001130067.2, NM_001351056.2, NM_001375512.1 and 5 more transcripts); c.803G>A, p.Ser268Asn (NM_001351054.2); c.800G>A, p.Ser267Asn (NM_001351055.2); c.374G>A, p.Ser125Asn (NM_001351057.2); c.923G>A, p.Ser308Asn (NM_001375488.1); c.920G>A, p.Ser307Asn (NM_001375489.1); c.773G>A, p.Ser258Asn (NM_001375490.1); c.770G>A, p.Ser257Asn (NM_001375491.1); and 3 more; short protein forms S267N, S277N, S258N, S307N, S125N, S165N, S250N, S268N.
Identifiers: ClinVar variation 845812 (VCV000845812.17), dbSNP rs768739196, ClinGen allele CA3108642.